The following is an entry in ClinVar:

ClinVar aggregate classification (germline): Uncertain significance (1 of 4 stars; one submission).

Conditions:
Familial thoracic aortic aneurysm and aortic dissection (TAAD). Also called: Thoracic aortic aneurysms and dissections. Identifiers: Orphanet 91387, MedGen C4707243, MONDO:0019625.

Submission:

Ambry Genetics
Classification: Uncertain significance for Familial thoracic aortic aneurysm and aortic dissection. Last evaluated: 2024-05-22. Review status: criteria provided, single submitter. Criteria: Ambry Variant Classification Scheme 2023. Collection method: clinical testing. Allele origin: germline.
Comment: The p.N1587S variant (also known as c.4760A>G), located in coding exon 26 of the NOTCH1 gene, results from an A to G substitution at nucleotide position 4760. The asparagine at codon 1587 is replaced by serine, an amino acid with highly similar properties. This amino acid position is conserved. In addition, this alteration is predicted to be tolerated by in silico analysis. Based on the available evidence, the clinical significance of this variant remains unclear.

NM_017617.5(NOTCH1):c.4760A>G (p.Asn1587Ser)

Gene: NOTCH1 (notch receptor 1; minus strand). Cytogenetic location: 9q34.3.
Variant type: single nucleotide variant.
Coding change: c.4760A>G on transcript NM_017617.5 (MANE Select); coding-DNA position 4760, A replaced by G.
Protein change: p.Asn1587Ser; replaces asparagine 1587 with serine.
Molecular consequence: missense variant.
Genome position (GRCh38, 1-based): chr9:136,504,931, T>C on the plus strand (A>G on the coding strand, the complement: NOTCH1 is on the minus strand). VCF-style: chr9-136504931-T-C. GRCh37 (hg19) VCF-style: chr9-139399383-T-C.
Other names: short protein forms N1587S.
Identifiers: ClinVar variation 3300468 (VCV003300468.1).
Genomic context (GRCh38, chr9:136,504,931, plus strand): 5'-TTGAAGACCACGTTGGTGTGCAGCACGCGGCTGAGCTCCCGCAGGAAGTGGAAGGAGCTG[T>C]TGCGCAGCTGCTCCGGCGGCATCAGCACCACCACCACCAGCGTGCCGGCCGCCAGCCTCT-3'
Protein context (NP_060087.3, residues 1577-1597): VVLMPPEQLR[Asn1587Ser]SSFHFLRELS